The following is an entry in ClinVar:

NM_000369.5(TSHR):c.1735G>A (p.Ala579Thr)

Genes: TSHR (thyroid stimulating hormone receptor; plus strand), TSHR-AS1 (TSHR antisense RNA 1; minus strand). Cytogenetic location: 14q31.1.
Variant type: single nucleotide variant.
Coding change: c.1735G>A on transcript NM_000369.5 (MANE Select); coding-DNA position 1735, G replaced by A.
Protein change: p.Ala579Thr; replaces alanine 579 with threonine.
Molecular consequence: missense variant.
Genome position (GRCh38, 1-based): chr14:81,143,793, G>A. VCF-style: chr14-81143793-G-A. GRCh37 (hg19) VCF-style: chr14-81610137-G-A.
Other names: short protein forms A579T.
Identifiers: ClinVar variation 5003036 (VCV005003036.1).

ClinVar aggregate classification (germline): Uncertain significance (1 of 4 stars; one submission).

Conditions:
Familial hyperthyroidism due to mutations in TSH receptor. Also called: TOXIC THYROID HYPERPLASIA, AUTOSOMAL DOMINANT; HYPERTHYROIDISM, CONGENITAL NONAUTOIMMUNE; HYPERTHYROIDISM, NONAUTOIMMUNE, AUTOSOMAL DOMINANT. Identifiers: Orphanet 424, MedGen C1836706, MONDO:0012203, OMIM 609152.

gnomAD v4.1: 3 of 1,613,984 alleles (0.00019%); highest among the groups gnomAD compares: Admixed American, 0.0033%; no homozygotes.

Submission:

OLLIN Analises Genomicas, OLLIN
Classification: Uncertain significance for Familial hyperthyroidism due to mutations in TSH receptor. Last evaluated: 2026-08-06. Review status: criteria provided, single submitter. Criteria: ACMG Guidelines 2015 PMID 25741868. Collection method: clinical testing. Allele origin: germline.
Comment: This missense variant, located in exon 10 (of 10), has been observed in gnomAD with an allele frequency of 0.00019%, but has not been reported in ClinVar or identified in the literature. In silico analysis predicts that this variant has a tolerated effect. According to the currently available evidence, this variant has been classified as uncertain significance (BP4_M).